The following is an entry in ClinVar:

ClinVar aggregate classification (germline): Pathogenic. Review status: criteria provided, multiple submitters, no conflicts (2 of 4 stars). 3 submissions from 3 submitters: Pathogenic (3). Last evaluated 2025-11-24.

Conditions:
Hereditary cancer-predisposing syndrome. Also called: Hereditary Cancer Syndrome; Neoplastic Syndromes, Hereditary; Hereditary neoplastic syndrome; Tumor predisposition. Identifiers: Orphanet 140162, MedGen C0027672, MeSH D009386, MONDO:0015356.
Microcephaly, normal intelligence and immunodeficiency (NBS). Also called: Nijmegen breakage syndrome; Microcephaly with normal intelligence immunodeficiency and lymphoreticular malignancies; Nonsyndromal microcephaly autosomal recessive with normal intelligence; Seemanova syndrome 2; Immunodeficiency, microcephaly with normal intelligence; Ataxia telangiectasia variant V1. Identifiers: Orphanet 647, MedGen C0398791, MONDO:0009623, OMIM 251260.

Submissions (3):

Labcorp Genetics (formerly Invitae), Labcorp
Classification: Pathogenic for Microcephaly, normal intelligence and immunodeficiency. Last evaluated: 2025-11-24. Review status: criteria provided, single submitter. Criteria: Invitae Variant Classification Sherloc (09022015). Collection method: clinical testing. Allele origin: germline.
Comment: This sequence change creates a premature translational stop signal (p.Leu91*) in the NBN gene. It is expected to result in an absent or disrupted protein product. Loss-of-function variants in NBN are known to be pathogenic (PMID: 9590180, 16415040). This variant is not present in population databases (gnomAD no frequency). This variant has not been reported in the literature in individuals affected with NBN-related conditions. ClinVar contains an entry for this variant (Variation ID: 821723). Algorithms developed to predict the effect of sequence changes on RNA splicing suggest that this variant may disrupt the consensus splice site. For these reasons, this variant has been classified as Pathogenic.

Ambry Genetics
Classification: Pathogenic for Hereditary cancer-predisposing syndrome. Last evaluated: 2023-03-16. Review status: criteria provided, single submitter. Criteria: Ambry Variant Classification Scheme 2023. Collection method: clinical testing. Allele origin: germline.
Comment: The c.272delT pathogenic mutation, located in coding exon 3 of the NBN gene, results from a deletion of one nucleotide at nucleotide position 272, causing a translational frameshift with a predicted alternate stop codon (p.L91*). This alteration is expected to result in loss of function by premature protein truncation or nonsense-mediated mRNA decay. As such, this alteration is interpreted as a disease-causing mutation.

Genome-Nilou Lab
Classification: Pathogenic for Microcephaly, normal intelligence and immunodeficiency. Last evaluated: 2021-11-07. Review status: criteria provided, single submitter. Criteria: ACMG Guidelines, 2015. Collection method: clinical testing. Allele origin: germline. Affected: no.

Literature cited by the submitters: PubMed 9590180 (cited by Labcorp Genetics (formerly Invitae), Labcorp); PubMed 16415040 (cited by Labcorp Genetics (formerly Invitae), Labcorp).

NM_002485.5(NBN):c.272del (p.Thr90_Leu91insTer)

Gene: NBN (nibrin; minus strand). Cytogenetic location: 8q21.3.
Variant type: Deletion.
Coding change: c.272del on transcript NM_002485.5 (MANE Select); coding-DNA position 272, one base deleted (T; older notation c.272delT).
Protein change: p.Thr90_Leu91insTer.
Molecular consequence: nonsense.
Genome position (GRCh38, 1-based): chr8:89,981,423, A deleted on the plus strand (T on the coding strand, the reverse complement: NBN is on the minus strand); the first of 3 consecutive A bases (chr8:89,981,423-89,981,425); deleting any one gives the same sequence. VCF-style (leftmost placement, unchanged base first): chr8-89981422-CA-C. GRCh37 (hg19) VCF-style: chr8-90993650-CA-C.
Other names: c.26del, p.Thr8_Leu9insTer (NM_001024688.3); c.272del (NM_002485.4).
Identifiers: ClinVar variation 821723 (VCV000821723.14), dbSNP rs1586108633, ClinGen allele CA915945802.
Genomic context (GRCh38, chr8:89,981,422, plus strand): 5'-TAAAATGTCTTACCTGAATTTACTTCCAAACACTCCAAAAGTAATACCATCCCCCGACTT[CA>C]AAGTTCGGGAAAAGCCATTCTGCATTTTTTCCTCATTAACAAAGGTACCATACTTAGAAT-3'